The following is an entry in ClinVar:

NM_203475.3(PORCN):c.946+2_946+3del

Gene: PORCN (porcupine O-acyltransferase; plus strand). Cytogenetic location: Xp11.23.
Variant type: Microsatellite.
Coding change: c.946+2_946+3del on transcript NM_203475.3 (MANE Select); the canonical splice donor site of the intron after coding-DNA position 946 through 3 bases into the intron after coding-DNA position 946, 2 bases deleted (TG; older notation c.946+2_946+3delTG).
Molecular consequence: splice donor variant.
Genome position (GRCh38, 1-based): chrX:48,514,627-48,514,628, TG deleted; deleting any 2 consecutive bases within chrX:48,514,625-48,514,628 gives the same sequence; the c. name uses the placement nearest the transcript's 3' end. VCF-style (leftmost placement, unchanged base first): chrX-48514624-CTG-C. GRCh37 (hg19) VCF-style: chrX-48373012-CTG-C.
Other names: c.700+2_700+3del (NM_001282167.2); c.931+2_931+3del (NM_203473.3); c.913+2_913+3del (NM_022825.4); c.928+2_928+3del (NM_203474.1).
Identifiers: ClinVar variation 1323491 (VCV001323491.8), dbSNP rs2147131642, ClinGen allele CA2580617031.

ClinVar aggregate classification (germline): Pathogenic/Likely pathogenic. Review status: criteria provided, multiple submitters, no conflicts (2 of 4 stars). 3 submissions from 3 submitters: Pathogenic (2); Likely pathogenic (1). Last evaluated 2024-08-05.

Conditions:
Focal dermal hypoplasia (FDH). Also called: Goltz syndrome. Identifiers: Orphanet 2092, MedGen C0016395, MONDO:0010592, OMIM 305600.

Submissions (3):

Labcorp Genetics (formerly Invitae), Labcorp
Classification: Likely pathogenic. Last evaluated: 2024-08-05. Review status: criteria provided, single submitter. Criteria: Invitae Variant Classification Sherloc (09022015). Collection method: clinical testing. Allele origin: germline.
Comment: This sequence change affects a splice site in intron 10 of the PORCN gene. It is expected to disrupt RNA splicing. Variants that disrupt the donor or acceptor splice site typically lead to a loss of protein function (PMID: 16199547), and loss-of-function variants in PORCN are known to be pathogenic (PMID: 17546030, 19309688). This variant is not present in population databases (gnomAD no frequency). This variant has not been reported in the literature in individuals affected with PORCN-related conditions. Algorithms developed to predict the effect of sequence changes on RNA splicing suggest that this variant may disrupt the consensus splice site. In summary, the currently available evidence indicates that the variant is pathogenic, but additional data are needed to prove that conclusively. Therefore, this variant has been classified as Likely Pathogenic.

GeneDx
Classification: Pathogenic. Last evaluated: 2022-01-06. Review status: criteria provided, single submitter. Criteria: GeneDx Variant Classification Process June 2021. Collection method: clinical testing. Allele origin: germline. Affected: yes.
Comment: Canonical splice site variant predicted to result in a null allele in a gene for which loss-of-function is a known mechanism of disease; Not observed at significant frequency in large population cohorts (gnomAD); Has not been previously published as pathogenic or benign to our knowledge

Revvity Omics, Revvity
Classification: Pathogenic for Focal dermal hypoplasia. Last evaluated: 2020-11-17. Review status: criteria provided, single submitter. Criteria: ACMG Guidelines, 2015. Collection method: clinical testing. Allele origin: germline.

Literature cited by the submitters: PubMed 16199547 (cited by Labcorp Genetics (formerly Invitae), Labcorp); PubMed 17546030 (cited by Labcorp Genetics (formerly Invitae), Labcorp); PubMed 19309688 (cited by Labcorp Genetics (formerly Invitae), Labcorp).